The following is an entry in ClinVar:

NM_025114.4(CEP290):c.4476A>T (p.Glu1492Asp)

Gene: CEP290 (centrosomal protein 290; minus strand). Cytogenetic location: 12q21.32.
Variant type: single nucleotide variant.
Coding change: c.4476A>T on transcript NM_025114.4 (MANE Select); coding-DNA position 4476, A replaced by T.
Protein change: p.Glu1492Asp; replaces glutamic acid 1492 with aspartic acid.
Molecular consequence: missense variant.
Genome position (GRCh38, 1-based): chr12:88,084,814, T>A on the plus strand (A>T on the coding strand, the complement: CEP290 is on the minus strand). VCF-style: chr12-88084814-T-A. GRCh37 (hg19) VCF-style: chr12-88478591-T-A.
Other names: short protein forms E1492D.
Identifiers: ClinVar variation 4997188 (VCV004997188.1).
Genomic context (GRCh38, chr12:88,084,814, plus strand): 5'-AGTGGCAGGCAATCGAAGCCTCAGTTCATTGATTACTTTGTCTCTTGACAGTATATTTTG[T>A]TCTGCTAACCTTAAAGCAGATTCTTTCTCTTTTAGTTTCTGCAATGATTAAATTATAATA-3'
Protein context (NP_079390.3, residues 1482-1502): KEKESALRLA[Glu1492Asp]QNILSRDKVI

ClinVar aggregate classification (germline): Uncertain significance (1 of 4 stars; one submission).

Conditions:
CEP290-related disorder. Also called: CEP290-related condition; CEP290-related disorders. Identifiers: MedGen CN239314.

Submission:

PreventionGenetics, part of Exact Sciences
Classification: Uncertain significance for CEP290-related condition. Last evaluated: 2024-10-16. Review status: criteria provided, single submitter. Criteria: ACMG Guidelines, 2015. Collection method: clinical testing. Allele origin: germline.
Comment: The CEP290 c.4476A>T variant is predicted to result in the amino acid substitution p.Glu1492Asp. To our knowledge, this variant has not been reported in the literature or in a large population database (gnomAD), indicating this variant is rare. At this time, the clinical significance of this variant is uncertain due to the absence of conclusive functional and genetic evidence.